The following is an entry in ClinVar:

NM_007373.4(SHOC2):c.1049G>A (p.Gly350Asp)

Gene: SHOC2 (SHOC2 leucine rich repeat scaffold protein; plus strand). Cytogenetic location: 10q25.2.
Variant type: single nucleotide variant.
Coding change: c.1049G>A on transcript NM_007373.4 (MANE Select); coding-DNA position 1049, G replaced by A.
Protein change: p.Gly350Asp; replaces glycine 350 with aspartic acid.
Molecular consequence: missense variant. On other transcripts: non-coding transcript variant (1).
Genome position (GRCh38, 1-based): chr10:111,004,682, G>A. VCF-style: chr10-111004682-G-A. GRCh37 (hg19) VCF-style: chr10-112764440-G-A.
Other names: c.911G>A, p.Gly304Asp (NM_001269039.3); c.1049G>A, p.Gly350Asp (NM_001324336.2, NM_001324337.2); short protein forms G304D, G350D.
Identifiers: ClinVar variation 1718358 (VCV001718358.5), dbSNP rs2493945595, ClinGen allele CA378523020.
Genomic context (GRCh38, chr10:111,004,682, plus strand): 5'-TTGTGAAACTGAATAGTTTGACCTTAGCTAGAAATTGCTTCCAGTTGTATCCAGTGGGTG[G>A]TCCATCTCAGTTTTCTACCATCTATTCCCTCAACATGGAACACAATCGAATCAACAAAAT-3'
Protein context (NP_031399.2, residues 340-360): RNCFQLYPVG[Gly350Asp]PSQFSTIYSL

ClinVar aggregate classification (germline): Uncertain significance (1 of 4 stars; one submission).

Conditions:
RASopathy. Also called: rasopathies; Noonan spectrum disorder. Identifiers: Orphanet 536391, MedGen C5555857, MONDO:0021060.

Allele frequency attached by ClinVar (database versions not stated): gnomAD exomes below 0.00001.
gnomAD v4.1: 1 of 1,612,626 alleles (0.000062%); no homozygotes.

Submission:

Labcorp Genetics (formerly Invitae), Labcorp
Classification: Uncertain significance for RASopathy. Last evaluated: 2022-08-30. Review status: criteria provided, single submitter. Criteria: Invitae Variant Classification Sherloc (09022015). Collection method: clinical testing. Allele origin: germline.
Comment: In summary, the available evidence is currently insufficient to determine the role of this variant in disease. Therefore, it has been classified as a Variant of Uncertain Significance. Algorithms developed to predict the effect of missense changes on protein structure and function are either unavailable or do not agree on the potential impact of this missense change (SIFT: "Deleterious"; PolyPhen-2: "Benign"; Align-GVGD: "Class C65"). This variant has not been reported in the literature in individuals affected with SHOC2-related conditions. This sequence change replaces glycine, which is neutral and non-polar, with aspartic acid, which is acidic and polar, at codon 350 of the SHOC2 protein (p.Gly350Asp). This variant is not present in population databases (gnomAD no frequency).